The following is an entry in ClinVar:

NM_000038.6(APC):c.6012A>T (p.Ala2004=)

Gene: APC (APC regulator of Wnt signaling pathway; plus strand). Cytogenetic location: 5q22.2.
Variant type: single nucleotide variant.
Coding change: c.6012A>T on transcript NM_000038.6 (MANE Select); coding-DNA position 6012, A replaced by T.
Protein change: p.Ala2004=; no amino-acid change (alanine 2004 retained).
Molecular consequence: synonymous variant.
Genome position (GRCh38, 1-based): chr5:112,841,606, A>T. VCF-style: chr5-112841606-A-T. GRCh37 (hg19) VCF-style: chr5-112177303-A-T.
Other names: c.6012A>T, p.Ala2004= (NM_001127510.3, NM_001354895.2); c.5958A>T, p.Ala1986= (NM_001127511.3); c.6066A>T, p.Ala2022= (NM_001354896.2); c.6042A>T, p.Ala2014= (NM_001354897.2); c.5937A>T, p.Ala1979= (NM_001354898.2); c.5928A>T, p.Ala1976= (NM_001354899.2); c.5889A>T, p.Ala1963= (NM_001354900.2); c.5835A>T, p.Ala1945= (NM_001354901.2); and 5 more.
Identifiers: ClinVar variation 763768 (VCV000763768.16), dbSNP rs1057521822, ClinGen allele CA446210136.

ClinVar aggregate classification (germline): Benign/Likely benign. Review status: criteria provided, multiple submitters, no conflicts (2 of 4 stars). 4 submissions from 4 submitters: Benign (1); Likely benign (3). Last evaluated 2025-02-25.

Conditions:
Hereditary cancer-predisposing syndrome. Also called: Tumor predisposition; Neoplastic Syndromes, Hereditary; Hereditary Cancer Syndrome; Hereditary neoplastic syndrome. Identifiers: Orphanet 140162, MedGen C0027672, MeSH D009386, MONDO:0015356.
Familial adenomatous polyposis 1 (FAP1). Also called: FAMILIAL ADENOMATOUS POLYPOSIS 1, ATTENUATED; POLYPOSIS, ADENOMATOUS INTESTINAL. Identifiers: MedGen C2713442, MONDO:0021056, OMIM 175100. Disease mechanism: loss of function.

gnomAD v4.1: 2 of 1,613,520 alleles (0.00012%); highest among the groups gnomAD compares: Non-Finnish European, 0.00017%; no homozygotes.

Submissions (4):

Labcorp Genetics (formerly Invitae), Labcorp
Classification: Likely benign for Familial adenomatous polyposis 1. Last evaluated: 2025-02-25. Review status: criteria provided, single submitter. Criteria: Invitae Variant Classification Sherloc (09022015). Collection method: clinical testing. Allele origin: germline.

Myriad Genetics, Inc.
Classification: Benign for Familial adenomatous polyposis 1. Last evaluated: 2024-04-03. Review status: criteria provided, single submitter. Criteria: Myriad Autosomal Dominant, Autosomal Recessive and X-Linked Classification Criteria (2023). Collection method: clinical testing. Allele origin: unknown.
Comment: This variant is considered benign. This variant is a silent/synonymous amino acid change and it is not expected to impact splicing.

Color Diagnostics, LLC DBA Color Health
Classification: Likely benign for Hereditary cancer-predisposing syndrome. Last evaluated: 2024-03-04. Review status: criteria provided, single submitter. Criteria: ACMG Guidelines, 2015. Collection method: clinical testing. Allele origin: germline.

Ambry Genetics
Classification: Likely benign for Hereditary cancer-predisposing syndrome. Last evaluated: 2019-12-09. Review status: criteria provided, single submitter. Criteria: Ambry Variant Classification Scheme 2023. Collection method: clinical testing. Allele origin: germline.